The following is an entry in ClinVar:

ClinVar aggregate classification (germline): Uncertain significance (1 of 4 stars; one submission).

gnomAD v4.1: 7 of 1,614,132 alleles (0.00043%); highest among the groups gnomAD compares: South Asian, 0.0044%; no homozygotes.

Submission:

Labcorp Genetics (formerly Invitae), Labcorp
Classification: Uncertain significance. Last evaluated: 2025-12-19. Review status: criteria provided, single submitter. Criteria: Invitae Variant Classification Sherloc (09022015). Collection method: clinical testing. Allele origin: germline.
Comment: This sequence change replaces valine, which is neutral and non-polar, with isoleucine, which is neutral and non-polar, at codon 215 of the SULF1 protein (p.Val215Ile). This variant is present in population databases (rs751417229, gnomAD 0.003%). This variant has not been reported in the literature in individuals affected with SULF1-related conditions. An algorithm developed to predict the effect of missense changes on protein structure and function outputs the following: PolyPhen-2: "Benign". The isoleucine amino acid residue is found in multiple mammalian species, which suggests that this missense change does not adversely affect protein function. In summary, the available evidence is currently insufficient to determine the role of this variant in disease. Therefore, it has been classified as a Variant of Uncertain Significance.

NM_001128205.2(SULF1):c.643G>A (p.Val215Ile)

Gene: SULF1 (sulfatase 1; plus strand). Cytogenetic location: 8q13.2.
Variant type: single nucleotide variant.
Coding change: c.643G>A on transcript NM_001128205.2 (MANE Select); coding-DNA position 643, G replaced by A.
Protein change: p.Val215Ile; replaces valine 215 with isoleucine.
Molecular consequence: missense variant. On other transcripts: 5 prime UTR variant (1), non-coding transcript variant (6).
Genome position (GRCh38, 1-based): chr8:69,589,050, G>A. VCF-style: chr8-69589050-G-A. GRCh37 (hg19) VCF-style: chr8-70501285-G-A.
Other names: c.643G>A, p.Val215Ile (NM_001128204.2, NM_001128206.2, NM_001412828.1 and 18 more transcripts); c.457G>A, p.Val153Ile (NM_001412841.1, NM_001412842.1); c.43G>A, p.Val15Ile (NM_001412844.1, NM_001412845.1); c.-1133G>A (NM_001412846.1); short protein forms V153I, V15I, V215I.
Identifiers: ClinVar variation 4707373 (VCV004707373.1).
Genomic context (GRCh38, chr8:69,589,050, plus strand): 5'-ATCACTAACGAGAGCATTAATTACTTCAAAATGTCTAAGAGAATGTATCCCCATAGGCCC[G>A]TTATGATGGTGATCAGCCACGCTGCGCCCCACGGCCCCGAGGACTCAGCCCCACAGTTTT-3'
Protein context (NP_001121677.1, residues 205-225): MSKRMYPHRP[Val215Ile]MMVISHAAPH